The following is an entry in ClinVar:

ClinVar aggregate classification (germline): Uncertain significance (1 of 4 stars; one submission).

Submission:

Labcorp Genetics (formerly Invitae), Labcorp
Classification: Uncertain significance. Last evaluated: 2024-11-05. Review status: criteria provided, single submitter. Criteria: Invitae Variant Classification Sherloc (09022015). Collection method: clinical testing. Allele origin: germline.
Comment: This sequence change falls in intron 8 of the KRT71 gene. It does not directly change the encoded amino acid sequence of the KRT71 protein. This variant is not present in population databases (gnomAD no frequency). This variant has not been reported in the literature in individuals affected with KRT71-related conditions. Algorithms developed to predict the effect of sequence changes on RNA splicing suggest that this variant may disrupt the consensus splice site. In summary, the available evidence is currently insufficient to determine the role of this variant in disease. Therefore, it has been classified as a Variant of Uncertain Significance.

NM_033448.3(KRT71):c.1360+7A>C

Gene: KRT71 (keratin 71; minus strand). Cytogenetic location: 12q13.13.
Variant type: single nucleotide variant.
Coding change: c.1360+7A>C on transcript NM_033448.3 (MANE Select); 7 bases into the intron after coding-DNA position 1360, A replaced by C.
Molecular consequence: intron variant.
Genome position (GRCh38, 1-based): chr12:52,545,558, T>G on the plus strand (A>C on the coding strand, the complement: KRT71 is on the minus strand). VCF-style: chr12-52545558-T-G. GRCh37 (hg19) VCF-style: chr12-52939342-T-G.
Identifiers: ClinVar variation 3696429 (VCV003696429.2).